The following is an entry in ClinVar:

NM_003719.5(PDE8B):c.607A>G (p.Asn203Asp)

Gene: PDE8B (phosphodiesterase 8B; plus strand). Cytogenetic location: 5q13.3.
Variant type: single nucleotide variant.
Coding change: c.607A>G on transcript NM_003719.5 (MANE Select); coding-DNA position 607, A replaced by G.
Protein change: p.Asn203Asp; replaces asparagine 203 with aspartic acid.
Molecular consequence: missense variant.
Genome position (GRCh38, 1-based): chr5:77,329,014, A>G. VCF-style: chr5-77329014-A-G. GRCh37 (hg19) VCF-style: chr5-76624839-A-G.
Other names: c.304A>G, p.Asn102Asp (NM_001376073.1, NM_001376062.1, NM_001376070.1 and 1 more transcripts); c.244A>G, p.Asn82Asp (NM_001376074.1, NM_001376066.1); c.235A>G, p.Asn79Asp (NM_001376075.1, NM_001414622.1, NM_001414623.1 and 3 more transcripts); c.607A>G, p.Asn203Asp (NM_001029851.4, NM_001029852.4, NM_001029854.4 and 2 more transcripts); c.547A>G, p.Asn183Asp (NM_001029853.4); c.604A>G, p.Asn202Asp (NM_001349748.3, NM_001349751.3, NM_001376065.1); c.670A>G, p.Asn224Asp (NM_001349749.3); c.367A>G, p.Asn123Asp (NM_001349750.3); and 2 more; short protein forms N101D, N202D, N224D, N123D, N79D, N102D, N183D, N122D.
Identifiers: ClinVar variation 4769121 (VCV004769121.1).

ClinVar aggregate classification (germline): Uncertain significance (1 of 4 stars; one submission).

gnomAD v4.1: 1 of 1,614,092 alleles (0.000062%); highest among the groups gnomAD compares: Non-Finnish European, 0.000085%; no homozygotes.

Submission:

Labcorp Genetics (formerly Invitae), Labcorp
Classification: Uncertain significance. Last evaluated: 2025-04-07. Review status: criteria provided, single submitter. Criteria: Invitae Variant Classification Sherloc (09022015). Collection method: clinical testing. Allele origin: germline.
Comment: This sequence change replaces asparagine, which is neutral and polar, with aspartic acid, which is acidic and polar, at codon 203 of the PDE8B protein (p.Asn203Asp). This variant is present in population databases (rs745826346, gnomAD 0.0009%). This variant has not been reported in the literature in individuals affected with PDE8B-related conditions. An algorithm developed to predict the effect of missense changes on protein structure and function (PolyPhen-2) suggests that this variant is likely to be tolerated. In summary, the available evidence is currently insufficient to determine the role of this variant in disease. Therefore, it has been classified as a Variant of Uncertain Significance.